The following is an entry in ClinVar:

NM_006000.3(TUBA4A):c.1020C>T (p.Ser340=)

Gene: TUBA4A (tubulin alpha 4a; minus strand). Cytogenetic location: 2q35.
Variant type: single nucleotide variant.
Coding change: c.1020C>T on transcript NM_006000.3 (MANE Select); coding-DNA position 1020, C replaced by T.
Protein change: p.Ser340=; no amino-acid change (serine 340 retained).
Molecular consequence: synonymous variant.
Genome position (GRCh38, 1-based): chr2:219,250,679, G>A on the plus strand (C>T on the coding strand, the complement: TUBA4A is on the minus strand). VCF-style: chr2-219250679-G-A. GRCh37 (hg19) VCF-style: chr2-220115401-G-A.
Other names: c.975C>T, p.Ser325= (NM_001278552.2).
Identifiers: ClinVar variation 3058444 (VCV003058444.2), dbSNP rs1574883884, ClinGen allele CA431426185.

ClinVar aggregate classification (germline): Likely benign (0 of 4 stars; one submission).

Conditions:
TUBA4A-related disorder. Also called: TUBA4A-related condition.

Submission:

PreventionGenetics, part of Exact Sciences
Classification: Likely benign for TUBA4A-related condition. Last evaluated: 2023-10-03. Review status: no assertion criteria provided. Collection method: clinical testing. Allele origin: germline.
Comment: This variant is classified as likely benign based on ACMG/AMP sequence variant interpretation guidelines (Richards et al. 2015 PMID: 25741868, with internal and published modifications).